The following is an entry in ClinVar:

NM_000059.4(BRCA2):c.5225A>T (p.Asn1742Ile)

Gene: BRCA2 (BRCA2 DNA repair associated; plus strand). Cytogenetic location: 13q13.1.
Variant type: single nucleotide variant.
Coding change: c.5225A>T on transcript NM_000059.4 (MANE Select); coding-DNA position 5225, A replaced by T.
Protein change: p.Asn1742Ile; replaces asparagine 1742 with isoleucine.
Molecular consequence: missense variant.
Genome position (GRCh38, 1-based): chr13:32,339,580, A>T. VCF-style: chr13-32339580-A-T. GRCh37 (hg19) VCF-style: chr13-32913717-A-T.
Other names: short protein forms N1742I.
Identifiers: ClinVar variation 234503 (VCV000234503.42), dbSNP rs756463217, ClinGen allele CA6940856.
Genomic context (GRCh38, chr13:32,339,580, plus strand): 5'-GTACTATAGCTGAAAATGACAAAAATCATCTCTCCGAAAAACAAGATACTTATTTAAGTA[A>T]CAGTAGCATGTCTAACAGCTATTCCTACCATTCTGATGAGGTATATAATGATTCAGGATA-3'
Protein context (NP_000050.3, residues 1732-1752): LSEKQDTYLS[Asn1742Ile]SSMSNSYSYH

ClinVar aggregate classification (germline): Conflicting classifications of pathogenicity. Review status: criteria provided, conflicting classifications (1 of 4 stars). 14 submissions from 14 submitters: Uncertain significance (9); Likely benign (4). 1 of the submissions does not count toward it. Last evaluated 2026-05-06.

Conditions:
Hereditary breast ovarian cancer syndrome. Also called: Hereditary breast and ovarian cancer syndrome; Breast and ovarian cancer; BRCA1- and BRCA2-Associated Hereditary Breast and Ovarian Cancer; Hereditary breast and/or ovarian cancer syndrome; Hereditary breast and ovarian cancer; Hereditary breast and ovarian cancer syndrome (HBOC). Identifiers: Orphanet 145, MedGen C0677776, MeSH D061325, MONDO:0003582. Disease mechanism: loss of function.
Fanconi anemia complementation group D1. Also called: BRCA2-Related Fanconi Anemia. Identifiers: Orphanet 319462, MedGen C1838457, MONDO:0011584, OMIM 605724.
Hereditary cancer-predisposing syndrome. Also called: Neoplastic Syndromes, Hereditary; Hereditary neoplastic syndrome; Hereditary Cancer Syndrome; Tumor predisposition. Identifiers: Orphanet 140162, MedGen C0027672, MeSH D009386, MONDO:0015356.
Breast-ovarian cancer, familial, susceptibility to, 2 (BROVCA2). Also called: BRCA2 Hereditary Breast and Ovarian Cancer. Identifiers: Orphanet 145, MedGen C2675520, MONDO:0012933, OMIM 612555. Disease mechanism: loss of function.
Familial cancer of breast. Also called: hereditary breast carcinoma; Hereditary breast cancer; BREAST CANCER, FAMILIAL. Identifiers: Orphanet 227535, MedGen C0346153, MONDO:0016419, OMIM 114480. Disease mechanism: loss of function.
BRCA2-related cancer predisposition. Identifiers: MedGen CN377758, MONDO:0700269.

Allele frequency attached by ClinVar (database versions not stated): gnomAD 0.00001; ExAC 0.00002; gnomAD exomes 0.00002 and 0.00003.
gnomAD v4.1: 38 of 1,609,984 alleles (0.0024%); highest among the groups gnomAD compares: Non-Finnish European, 0.0031%; no homozygotes.

Submissions (14):

Women's Health and Genetics/Laboratory Corporation of America, LabCorp
Classification: Uncertain significance. Last evaluated: 2026-05-06. Review status: criteria provided, single submitter. Criteria: LabCorp Variant Classification Summary - May 2015. Collection method: clinical testing. Allele origin: germline.
Comment: Variant summary: BRCA2 c.5225A>T (p.Asn1742Ile) results in a non-conservative amino acid change in the encoded protein sequence. Algorithms developed to predict the effect of missense changes on protein structure and function are either unavailable or do not agree on the potential impact of this missense change. The variant allele was found at a frequency of 2e-05 in 249314 control chromosomes (gnomAD). The available data on variant occurrences in the general population are insufficient to allow any conclusion about variant significance. c.5225A>T has been observed in an individuals affected with breast or ovarian cancer, as well as unaffected controls (e.g. Dorling_2021, Benet-Pages_2025). These reports do not provide unequivocal conclusions about association of the variant with Hereditary Breast And Ovarian Cancer Syndrome. To our knowledge, no experimental evidence demonstrating an impact on protein function has been reported. The following publications have been ascertained in the context of this evaluation (PMID: 33471991, 40027238). ClinVar contains an entry for this variant (Variation ID: 234503). Based on the evidence outlined above, the variant was classified as uncertain significance.

Center for Genomic Medicine, Rigshospitalet, Copenhagen University Hospital
Classification: Uncertain significance. Last evaluated: 2025-03-04. Review status: criteria provided, single submitter. Criteria: ACMG Guidelines, 2015. Collection method: clinical testing. Allele origin: germline.

Labcorp Genetics (formerly Invitae), Labcorp
Classification: Uncertain significance for Hereditary breast ovarian cancer syndrome. Last evaluated: 2025-01-22. Review status: criteria provided, single submitter. Criteria: Invitae Variant Classification Sherloc (09022015). Collection method: clinical testing. Allele origin: germline.
Comment: This sequence change replaces asparagine, which is neutral and polar, with isoleucine, which is neutral and non-polar, at codon 1742 of the BRCA2 protein (p.Asn1742Ile). This variant is present in population databases (rs756463217, gnomAD 0.008%). This variant has not been reported in the literature in individuals affected with BRCA2-related conditions. ClinVar contains an entry for this variant (Variation ID: 234503). Invitae Evidence Modeling of protein sequence and biophysical properties (such as structural, functional, and spatial information, amino acid conservation, physicochemical variation, residue mobility, and thermodynamic stability) indicates that this missense variant is not expected to disrupt BRCA2 protein function with a negative predictive value of 95%. In summary, the available evidence is currently insufficient to determine the role of this variant in disease. Therefore, it has been classified as a Variant of Uncertain Significance.

Quest Diagnostics Nichols Institute San Juan Capistrano
Classification: Uncertain significance. Last evaluated: 2024-10-02. Review status: criteria provided, single submitter. Criteria: Quest Diagnostics criteria. Collection method: clinical testing. Allele origin: unknown.
Comment: The BRCA2 c.5225A>T (p.Asn1742Ile) variant has been observe in the published literature in an individual with breast cancer as well as in a reportedly healthy individual (PMID:33471991 (2021), see also LOVD). In addition, this variant has been reported to be located in a region of the BRCA2 gene that is tolerant to missense sequence changes (PMID: 31911673 (2020)). The frequency of this variant in the general population, 0.000031 (4/128200 chromosomes (Genome Aggregation Database)), is uninformative in the assessment of its pathogenicity. Analysis of this variant using bioinformatics tools for the prediction of the effect of amino acid changes on protein structure and function yielded predictions that this variant is benign. Based on the available information, we are unable to determine the clinical significance of this variant.

Department of Pathology and Laboratory Medicine, Sinai Health System
Classification: Likely benign for BRCA2-related cancer predisposition. Last evaluated: 2024-09-25. Review status: criteria provided, single submitter. Criteria: ACMG Guidelines, 2015. Collection method: clinical testing. Allele origin: germline.

All of Us Research Program, National Institutes of Health
Classification: Uncertain significance for BRCA2-related cancer predisposition. Last evaluated: 2024-05-14. Review status: criteria provided, single submitter. Criteria: ACMG Guidelines, 2015. Collection method: clinical testing. Allele origin: germline. Inheritance: Autosomal dominant inheritance. Observed: 5 variant alleles, 5 heterozygotes.
Comment: This missense variant replaces asparagine with isoleucine at codon 1742 of the BRCA2 protein. Computational prediction suggests that this variant may not impact protein structure and function (internally defined REVEL score threshold <= 0.5, PMID: 27666373). To our knowledge, functional studies have not been reported for this variant. In a large breast cancer case-control study conducted by the BRIDGES consortium this variant was reported in 1/60466 cases and 2/53461 controls, showing inconclusive association with disease (OR= 0.442, 95%CI 0.04 to 4.876, p-value= 0.603) (PMID: 33471991 Leiden Open Variation Database DB-ID BRCA2_001561). This variant has been identified in 6/280720 chromosomes in the general population by the Genome Aggregation Database (gnomAD). The available evidence is insufficient to determine the role of this variant in disease conclusively. Therefore, this variant is classified as a Variant of Uncertain Significance.

This study involves interpretation of variants in research participants for the purpose of population health screening. Participant phenotype was not available at the time of variant classification. Additional details can be found in publication PMID: 35346344, PMCID: PMC8962531

Blueprint Genetics
Classification: Uncertain significance. Last evaluated: 2024-04-30. Review status: criteria provided, single submitter. Criteria: ACMG Guidelines, 2015. Collection method: clinical testing. Allele origin: germline.

Color Diagnostics, LLC DBA Color Health
Classification: Uncertain significance for Hereditary cancer-predisposing syndrome. Last evaluated: 2024-04-24. Review status: criteria provided, single submitter. Criteria: ACMG Guidelines, 2015. Collection method: clinical testing. Allele origin: germline.
Comment: This missense variant replaces asparagine with isoleucine at codon 1742 of the BRCA2 protein. Computational prediction suggests that this variant may not impact protein structure and function. To our knowledge, functional studies have not been reported for this variant. In a large breast cancer case-control study conducted by the BRIDGES consortium this variant was reported in 1/60466 cases and 2/53461 controls, showing inconclusive association with disease (OR= 0.442, 95%CI 0.04 to 4.876, p-value= 0.603) (PMID: 33471991 Leiden Open Variation Database DB-ID BRCA2_001561). This variant has been identified in 6/280720 chromosomes in the general population by the Genome Aggregation Database (gnomAD). The available evidence is insufficient to determine the role of this variant in disease conclusively. Therefore, this variant is classified as a Variant of Uncertain Significance.

GeneDx
Classification: Uncertain significance. Last evaluated: 2024-02-20. Review status: criteria provided, single submitter. Criteria: GeneDx Variant Classification Process June 2021. Collection method: clinical testing. Allele origin: germline. Affected: yes.
Comment: In silico analysis supports that this missense variant has a deleterious effect on protein structure/function; Observed in an individual who underwent multiple gene panel testing due to unspecified personal and/or family history of cancer (PMID: 31853058); Also known as 5453A>T; This variant is associated with the following publications: (PMID: 31131967, 32377563, 29884841, 33471991, 31853058)

MGZ Medical Genetics Center
Classification: Likely benign for Familial cancer of breast. Last evaluated: 2024-02-09. Review status: criteria provided, single submitter. Criteria: CSpec BRCA1/2ACMG Rules Specifications V1.1.0. Collection method: clinical testing. Allele origin: germline. Affected: yes.
Comment: ACMG codes applied following ENIGMA VCEP rules: BP1_STR

Ambry Genetics
Classification: Likely benign for Hereditary cancer-predisposing syndrome. Last evaluated: 2023-12-09. Review status: criteria provided, single submitter. Criteria: Ambry Variant Classification Scheme 2023. Collection method: clinical testing. Allele origin: germline.

University of Washington Department of Laboratory Medicine, University of Washington
Classification: Likely benign for Hereditary cancer-predisposing syndrome. Last evaluated: 2023-03-23. Review status: criteria provided, single submitter. Criteria: Dines et al. (Genet Med. 2020). Collection method: curation. Allele origin: germline.
Comment: Missense variant in a coldspot region where missense variants are very unlikely to be pathogenic (PMID:31911673).

BRCA2 exon 11 coldspot. Reclassification based on statistical prior probability.

PreventionGenetics, part of Exact Sciences
Classification: Uncertain significance. Last evaluated: 2018-01-11. Review status: criteria provided, single submitter. Criteria: ACMG Guidelines, 2015. Collection method: clinical testing. Allele origin: germline.

BRCAlab, Lund University
Classification: Uncertain significance for Breast-ovarian cancer, familial, susceptibility to, 2. Last evaluated: 2020-03-02. Review status: no assertion criteria provided. Collection method: clinical testing. Allele origin: germline. Affected: yes. Not counted in ClinVar's aggregate classification.

Literature cited by the submitters: PubMed 33471991 (cited by 5 submitters); PubMed 40027238 (cited by Women's Health and Genetics/Laboratory Corporation of America, LabCorp); PubMed 31911673 (cited by Center for Genomic Medicine, Rigshospitalet, Copenhagen University Hospital and Quest Diagnostics Nichols Institute San Juan Capistrano); PubMed 31853058 (cited by Department of Pathology and Laboratory Medicine, Sinai Health System).